The following is an entry in ClinVar:

NM_198525.3(KIF7):c.2860A>T (p.Thr954Ser)

Gene: KIF7 (kinesin family member 7; minus strand). Cytogenetic location: 15q26.1.
Variant type: single nucleotide variant.
Coding change: c.2860A>T on transcript NM_198525.3 (MANE Select); coding-DNA position 2860, A replaced by T.
Protein change: p.Thr954Ser; replaces threonine 954 with serine.
Molecular consequence: missense variant.
Genome position (GRCh38, 1-based): chr15:89,632,855, T>A on the plus strand (A>T on the coding strand, the complement: KIF7 is on the minus strand). VCF-style: chr15-89632855-T-A. GRCh37 (hg19) VCF-style: chr15-90176086-T-A.
Other names: c.2860A>T (NM_198525.2); short protein forms T954S.
Identifiers: ClinVar variation 1434708 (VCV001434708.9), dbSNP rs1002040263, ClinGen allele CA274567796.

ClinVar aggregate classification (germline): Uncertain significance. Review status: criteria provided, multiple submitters, no conflicts (2 of 4 stars). 2 submissions from 2 submitters: Uncertain significance (2). Last evaluated 2023-02-23.

Conditions:
Inborn genetic diseases. Identifiers: MedGen C0950123, MeSH D030342.
Acrocallosal syndrome (ACLS). Also called: Schinzel syndrome 1; Absence of corpus callosum with unusual facial appearance, mental deficiency, duplication of the halluces and polydactyly; HALLUX DUPLICATION, POSTAXIAL POLYDACTYLY, AND ABSENCE OF CORPUS CALLOSUM. Identifiers: Orphanet 36, MedGen C0796147, MONDO:0008708, OMIM 200990.

Allele frequency attached by ClinVar (database versions not stated): gnomAD 0.00001 and 0.00002.
gnomAD v4.1: 12 of 1,609,056 alleles (0.00075%); highest among the groups gnomAD compares: African/African-American, 0.0027%; no homozygotes.

Submissions (2):

Ambry Genetics
Classification: Uncertain significance for Inborn genetic diseases. Last evaluated: 2023-02-23. Review status: criteria provided, single submitter. Criteria: Ambry Variant Classification Scheme 2023. Collection method: clinical testing. Allele origin: germline.

Labcorp Genetics (formerly Invitae), Labcorp
Classification: Uncertain significance for Acrocallosal syndrome. Last evaluated: 2022-08-31. Review status: criteria provided, single submitter. Criteria: Invitae Variant Classification Sherloc (09022015). Collection method: clinical testing. Allele origin: germline.
Comment: In summary, the available evidence is currently insufficient to determine the role of this variant in disease. Therefore, it has been classified as a Variant of Uncertain Significance. Algorithms developed to predict the effect of missense changes on protein structure and function (SIFT, PolyPhen-2, Align-GVGD) all suggest that this variant is likely to be tolerated. ClinVar contains an entry for this variant (Variation ID: 1434708). This variant has not been reported in the literature in individuals affected with KIF7-related conditions. This variant is present in population databases (no rsID available, gnomAD 0.01%). This sequence change replaces threonine, which is neutral and polar, with serine, which is neutral and polar, at codon 954 of the KIF7 protein (p.Thr954Ser).